The following is an entry in ClinVar:

NM_004168.4(SDHA):c.1794+5G>A

Gene: SDHA (succinate dehydrogenase complex flavoprotein subunit A; plus strand). Cytogenetic location: 5p15.33.
Variant type: single nucleotide variant.
Coding change: c.1794+5G>A on transcript NM_004168.4 (MANE Select); 5 bases into the intron after coding-DNA position 1794, G replaced by A.
Molecular consequence: intron variant.
Genome position (GRCh38, 1-based): chr5:251,473, G>A. VCF-style: chr5-251473-G-A. GRCh37 (hg19) VCF-style: chr5-251588-G-A.
Other names: c.1552-2920G>A (NM_001330758.2); c.1650+5G>A (NM_001294332.2).
Identifiers: ClinVar variation 1780230 (VCV001780230.8), dbSNP rs1205244370, ClinGen allele CA557102535.

ClinVar aggregate classification (germline): Uncertain significance. Review status: criteria provided, multiple submitters, no conflicts (2 of 4 stars). 2 submissions from 2 submitters: Uncertain significance (2). Last evaluated 2023-04-11.

Conditions:
Mitochondrial complex II deficiency, nuclear type 1. Also called: SUCCINATE CoQ REDUCTASE DEFICIENCY. Identifiers: Orphanet 3208, MedGen C5700310, MONDO:0100294, OMIM 252011.
Pheochromocytoma/paraganglioma syndrome 5. Also called: Paragangliomas 5; SDHA-Related Hereditary Paraganglioma-Pheochromocytoma Syndrome. Identifiers: Orphanet 29072, MedGen C3279992, MONDO:0013602, OMIM 614165.
Hereditary cancer-predisposing syndrome. Also called: Tumor predisposition; Hereditary Cancer Syndrome; Hereditary neoplastic syndrome; Neoplastic Syndromes, Hereditary. Identifiers: Orphanet 140162, MedGen C0027672, MeSH D009386, MONDO:0015356.

gnomAD v4.1: 1 of 1,613,798 alleles (0.000062%); no homozygotes.

Submissions (2):

Ambry Genetics
Classification: Uncertain significance for Hereditary cancer-predisposing syndrome. Last evaluated: 2023-04-11. Review status: criteria provided, single submitter. Criteria: Ambry Variant Classification Scheme 2023. Collection method: clinical testing. Allele origin: germline.
Comment: The c.1794+5G>A intronic variant results from a G to A substitution 5 nucleotides after coding exon 13 in the SDHA gene. This nucleotide position is well conserved in available vertebrate species. In silico splice site analysis predicts that this alteration may result in the creation or strengthening of a novel splice donor site; however, direct evidence is insufficient at this time (Ambry internal data). Since supporting evidence is limited at this time, the clinical significance of this alteration remains unclear.

Labcorp Genetics (formerly Invitae), Labcorp
Classification: Uncertain significance for Pheochromocytoma/paraganglioma syndrome 5; Mitochondrial complex II deficiency, nuclear type 1. Last evaluated: 2022-02-12. Review status: criteria provided, single submitter. Criteria: Invitae Variant Classification Sherloc (09022015). Collection method: clinical testing. Allele origin: germline.
Comment: In summary, the available evidence is currently insufficient to determine the role of this variant in disease. Therefore, it has been classified as a Variant of Uncertain Significance. Variants that disrupt the consensus splice site are a relatively common cause of aberrant splicing (PMID: 17576681, 9536098). Algorithms developed to predict the effect of sequence changes on RNA splicing suggest that this variant may disrupt the consensus splice site. This variant has not been reported in the literature in individuals affected with SDHA-related conditions. This variant is not present in population databases (gnomAD no frequency). This sequence change falls in intron 13 of the SDHA gene. It does not directly change the encoded amino acid sequence of the SDHA protein. It affects a nucleotide within the consensus splice site.

Literature cited by the submitters: PubMed 17576681 (cited by Labcorp Genetics (formerly Invitae), Labcorp); PubMed 9536098 (cited by Labcorp Genetics (formerly Invitae), Labcorp).